The following is an entry in ClinVar:

NM_000173.7(GP1BA):c.154dup (p.Leu52fs)

Gene: GP1BA (glycoprotein Ib platelet subunit alpha; plus strand). Cytogenetic location: 17p13.2.
Variant type: Duplication.
Coding change: c.154dup on transcript NM_000173.7 (MANE Select); coding-DNA position 154, one base duplicated (C; older notation c.154dupC).
Protein change: p.Leu52fs; shifts the reading frame from leucine 52.
Molecular consequence: frameshift variant.
Genome position (GRCh38, 1-based): chr17:4,932,758, C duplicated; the last of 2 consecutive C bases (chr17:4,932,757-4,932,758); duplicating either gives the same sequence. VCF-style (leftmost placement, unchanged base first): chr17-4932756-T-TC. GRCh37 (hg19) VCF-style: chr17-4836051-T-TC.
Other names: NM_000173.7:c.154dup; short protein forms L52fs.
Identifiers: ClinVar variation 4849254 (VCV004849254.1).

ClinVar aggregate classification (germline): Likely pathogenic (3 of 4 stars; one submission).

Conditions:
Bernard Soulier syndrome (BSS). Also called: BLEEDING DISORDER, PLATELET-TYPE, 1; PLATELET GLYCOPROTEIN Ib DEFICIENCY; VON WILLEBRAND FACTOR RECEPTOR DEFICIENCY; Platelet Glycoprotein 1b, Deficiency of; Giant platelet syndrome; Hemorrhagiparous thrombocytic dystrophy. Identifiers: Orphanet 274, MedGen C0005129, MeSH D001606, MONDO:0009276, OMIM 231200.

Submission:

ClinGen Platelet Disorders Variant Curation Expert Panel, ClinGen
Classification: Likely pathogenic for Bernard Soulier syndrome. Last evaluated: 2026-04-02. Review status: reviewed by expert panel. Criteria: ClinGen Platelet ACMG Specifications GP1BA V1.0.0. Collection method: curation. Allele origin: germline. Inheritance: Autosomal recessive inheritance.
Comment: The NM_000173.7(GP1BA):c.154dup variant is a frameshift variant in GP1BA that may cause a premature stop codon that is predicted to escape nonsense mediated decay, however the truncation includes the functionally important transmembrane domain (removes amino acids 532-553) in a gene where loss-of-function is an established disease mechanism (PVS1_Strong). This variant has been detected in the homozygous state in a family where two siblings had macrothrombocytopenia and platelet aggregation absent for ristocetin (0.5 points; PM3_Supporting). This variant is absent from gnomAD v4 (PM2_Supporting). In summary, this variant meets the criteria to be classified as a likely pathogenic for Bernard-Soulier syndrome. ACMG/AMP criteria applied, as specified by the Platelet Disorders Variant Curation Expert Panel (specification version 1.1.0) for GP1BA: PVS1_Strong, PM3_Supporting, PM2_Supporting.